The following is an entry in ClinVar:

NM_000243.3(MEFV):c.1510C>T (p.Gln504Ter)

Gene: MEFV (MEFV innate immunity regulator, pyrin; minus strand). Cytogenetic location: 16p13.3.
Variant type: single nucleotide variant.
Coding change: c.1510C>T on transcript NM_000243.3 (MANE Select); coding-DNA position 1510, C replaced by T.
Protein change: p.Gln504Ter; replaces glutamine 504 with a stop codon.
Molecular consequence: nonsense.
Genome position (GRCh38, 1-based): chr16:3,247,093, G>A on the plus strand (C>T on the coding strand, the complement: MEFV is on the minus strand). VCF-style: chr16-3247093-G-A. GRCh37 (hg19) VCF-style: chr16-3297093-G-A.
Other names: c.877C>T, p.Gln293Ter (NM_001198536.2); short protein forms Q293*, Q504*.
Identifiers: ClinVar variation 1179060 (VCV001179060.2), dbSNP rs886082025, ClinGen allele CA276897352.

ClinVar aggregate classification (germline): Pathogenic (1 of 4 stars; one submission).

Conditions:
Familial Mediterranean fever (FMF). Also called: POLYSEROSITIS, FAMILIAL PAROXYSMAL; POLYSEROSITIS, RECURRENT; Periodic peritonitis; Benign paroxysmal peritonitis. Identifiers: Orphanet 342, MedGen C0031069, MONDO:0018088, OMIM 249100. Disease mechanism: gain of function.
Familial Mediterranean fever, autosomal dominant. Also called: Dominant Familial Mediterranean Fever; FMF, AUTOSOMAL DOMINANT. Identifiers: Orphanet 342, MedGen C1851347, MONDO:0007601, OMIM 134610.
Acute febrile neutrophilic dermatosis (AFND). Also called: Sweet Syndrome; Gomm Button disease. Identifiers: Orphanet 3243, MedGen C0085077, MONDO:0011959, OMIM 608068.

Allele frequency attached by ClinVar (database versions not stated): gnomAD exomes below 0.00001; TOPMed 0.00003; gnomAD 0.00004.
gnomAD v4.1: 7 of 1,614,038 alleles (0.00043%); highest among the groups gnomAD compares: African/African-American, 0.0093%; no homozygotes.

Submission:

Fulgent Genetics
Classification: Pathogenic for Familial Mediterranean fever, autosomal dominant; Familial Mediterranean fever; Acute febrile neutrophilic dermatosis. Last evaluated: 2021-06-30. Review status: criteria provided, single submitter. Criteria: ACMG Guidelines, 2015. Collection method: clinical testing. Allele origin: unknown.
Comment: This variant has been detected in individual(s) who were sent for testing of Renasight - kidney gene panel.